The following is an entry in ClinVar:

ClinVar aggregate classification (germline): Pathogenic (1 of 4 stars; one submission).

Conditions:
Walker-Warburg congenital muscular dystrophy. Also called: Muscular dystrophy-dystroglycanopathy, type A; Walker-Warburg syndrome. Identifiers: Orphanet 899, MedGen C0265221, MONDO:0000171.

Submission:

Labcorp Genetics (formerly Invitae), Labcorp
Classification: Pathogenic for Walker-Warburg congenital muscular dystrophy. Last evaluated: 2023-02-14. Review status: criteria provided, single submitter. Criteria: Invitae Variant Classification Sherloc (09022015). Collection method: clinical testing. Allele origin: germline.
Comment: This sequence change creates a premature translational stop signal (p.Gln28*) in the FKRP gene. While this is not anticipated to result in nonsense mediated decay, it is expected to disrupt the last 468 amino acid(s) of the FKRP protein. Information on the frequency of this variant in the gnomAD database is not available, as this variant may be reported differently in the database. This variant has not been reported in the literature in individuals affected with FKRP-related conditions. This variant disrupts a region of the FKRP protein in which other variant(s) (p.Ile478Thr) have been determined to be pathogenic (PMID: 16476814, 18639457, 19299310). This suggests that this is a clinically significant region of the protein, and that variants that disrupt it are likely to be disease-causing. For these reasons, this variant has been classified as Pathogenic.

Literature cited by the submitters: PubMed 16476814; PubMed 18639457; PubMed 19299310.

NM_024301.5(FKRP):c.81_82delinsTT (p.Gln28Ter)

Gene: FKRP (fukutin related protein; plus strand). Cytogenetic location: 19q13.32.
Variant type: Indel.
Coding change: c.81_82delinsTT on transcript NM_024301.5 (MANE Select); coding-DNA positions 81 to 82, GC replaced by TT.
Protein change: p.Gln28Ter; replaces glutamine 28 with a stop codon.
Molecular consequence: nonsense.
Genome position (GRCh38, 1-based): chr19:46,755,531-46,755,532, GC replaced by TT. VCF-style: chr19-46755531-GC-TT. GRCh37 (hg19) VCF-style: chr19-47258788-GC-TT.
Other names: c.81_82delinsTT, p.Gln28Ter (NM_001039885.3); short protein forms Q28*.
Identifiers: ClinVar variation 2837289 (VCV002837289.3), dbSNP rs2513984747, ClinGen allele CA2739276923.